The following is an entry in ClinVar:

NM_000539.3(RHO):c.608T>C (p.Phe203Ser)

Gene: RHO (rhodopsin; plus strand). Cytogenetic location: 3q22.1.
Variant type: single nucleotide variant.
Coding change: c.608T>C on transcript NM_000539.3 (MANE Select); coding-DNA position 608, T replaced by C.
Protein change: p.Phe203Ser; replaces phenylalanine 203 with serine.
Molecular consequence: missense variant.
Genome position (GRCh38, 1-based): chr3:129,532,328, T>C. VCF-style: chr3-129532328-T-C. GRCh37 (hg19) VCF-style: chr3-129251171-T-C.
Other names: short protein forms F203S.
Identifiers: ClinVar variation 1399304 (VCV001399304.6), dbSNP rs2108750351, ClinGen allele CA354469813.

ClinVar aggregate classification (germline): Uncertain significance (1 of 4 stars; one submission).

Submission:

Labcorp Genetics (formerly Invitae), Labcorp
Classification: Uncertain significance. Last evaluated: 2021-08-20. Review status: criteria provided, single submitter. Criteria: Invitae Variant Classification Sherloc (09022015). Collection method: clinical testing. Allele origin: germline.
Comment: In summary, the available evidence is currently insufficient to determine the role of this variant in disease. Therefore, it has been classified as a Variant of Uncertain Significance. Algorithms developed to predict the effect of missense changes on protein structure and function (SIFT, PolyPhen-2, Align-GVGD) all suggest that this variant is likely to be disruptive. This missense change has been observed in individual(s) with retinitis pigmentosa (PMID: 29641573). This variant is not present in population databases (ExAC no frequency). This sequence change replaces phenylalanine with serine at codon 203 of the RHO protein (p.Phe203Ser). The phenylalanine residue is highly conserved and there is a large physicochemical difference between phenylalanine and serine.

Literature cited by the submitters: PubMed 29641573.